The following is an entry in ClinVar:

NM_001715.3(BLK):c.510G>C (p.Gln170His)

Genes: BLK-AS1 (BLK antisense RNA 1), BLK (BLK proto-oncogene, Src family tyrosine kinase). Cytogenetic location: 8p23.1.
Variant type: single nucleotide variant.
Coding change: c.510G>C on transcript NM_001715.3 (MANE Select); coding-DNA position 510, G replaced by C.
Protein change: p.Gln170His; replaces glutamine 170 with histidine.
Molecular consequence: missense variant.
Genome position (GRCh38, 1-based): chr8:11,554,780, G>C. VCF-style: chr8-11554780-G-C. GRCh37 (hg19) VCF-style: chr8-11412289-G-C.
Other names: c.297G>C, p.Gln99His (NM_001330465.2); short protein forms Q170H, Q99H.
Identifiers: ClinVar variation 2199744 (VCV002199744.5), dbSNP rs747312270, ClinGen allele CA4629936.

ClinVar aggregate classification (germline): Uncertain significance. Review status: criteria provided, multiple submitters, no conflicts (2 of 4 stars). 2 submissions from 2 submitters: Uncertain significance (2). Last evaluated 2025-08-06.

Conditions:
Maturity-onset diabetes of the young type 11. Identifiers: Orphanet 552, MedGen C3150618, MONDO:0013242, OMIM 613375.

Allele frequency attached by ClinVar (database versions not stated): TOPMed 0.00002; ExAC 0.00003; gnomAD 0.00003; gnomAD exomes 0.00003.
gnomAD v4.1: 45 of 1,613,874 alleles (0.0028%); highest among the groups gnomAD compares: Middle Eastern, 0.066%; no homozygotes.

Submissions (2):

Genetics Department, Catlab
Classification: Uncertain significance for Maturity-onset diabetes of the young type 11. Last evaluated: 2025-08-06. Review status: criteria provided, single submitter. Criteria: ACMG Guidelines, 2015. Collection method: clinical testing. Allele origin: germline. Affected: yes. Observed: 1 variant allele.
Comment: The c.510G>C variant alters the protein sequence at position 170, changing a glutamine for histidine. The variant is very rare in gnomAD v4.1 (AF= 0.00002788) (PM2_moderate), but REVEL predicts a benign effect of the variant with a score of 0.19 (BP4_supporting). The variant has not been previously reported in patients with MODY. With all the available evidence, the variant is classified as of uncertain significance.

Labcorp Genetics (formerly Invitae), Labcorp
Classification: Uncertain significance. Last evaluated: 2022-11-18. Review status: criteria provided, single submitter. Criteria: Invitae Variant Classification Sherloc (09022015). Collection method: clinical testing. Allele origin: germline.
Comment: In summary, the available evidence is currently insufficient to determine the role of this variant in disease. Therefore, it has been classified as a Variant of Uncertain Significance. Algorithms developed to predict the effect of missense changes on protein structure and function output the following: SIFT: "Tolerated"; PolyPhen-2: "Benign"; Align-GVGD: "Class C0". The histidine amino acid residue is found in multiple mammalian species, which suggests that this missense change does not adversely affect protein function. This variant has not been reported in the literature in individuals affected with BLK-related conditions. This variant is present in population databases (rs747312270, gnomAD 0.04%). This sequence change replaces glutamine, which is neutral and polar, with histidine, which is basic and polar, at codon 170 of the BLK protein (p.Gln170His).